The following is an entry in ClinVar:

NM_152515.5(CKAP2L):c.1913C>T (p.Ser638Phe)

Genes: CKAP2L (cytoskeleton associated protein 2L; minus strand), NT5DC4 (5'-nucleotidase domain containing 4; plus strand). Cytogenetic location: 2q14.1.
Variant type: single nucleotide variant.
Coding change: c.1913C>T on transcript NM_152515.5 (MANE Select); coding-DNA position 1913, C replaced by T.
Protein change: p.Ser638Phe; replaces serine 638 with phenylalanine.
Molecular consequence: missense variant. On other transcripts: non-coding transcript variant (1), intron variant (1).
Genome position (GRCh38, 1-based): chr2:112,740,917, G>A on the plus strand (C>T on the coding strand, the complement: CKAP2L is on the minus strand). VCF-style: chr2-112740917-G-A. GRCh37 (hg19) VCF-style: chr2-113498494-G-A.
Other names: c.1418C>T, p.Ser473Phe (NM_001304361.2); c.1249-1495G>A (NM_001350494.2); short protein forms S473F, S638F.
Identifiers: ClinVar variation 1345378 (VCV001345378.6), dbSNP rs1301846549, ClinGen allele CA348291388.

ClinVar aggregate classification (germline): Uncertain significance (1 of 4 stars; one submission).

Allele frequency attached by ClinVar (database versions not stated): gnomAD exomes below 0.00001; TOPMed 0.00001.

Submission:

Labcorp Genetics (formerly Invitae), Labcorp
Classification: Uncertain significance. Last evaluated: 2021-11-22. Review status: criteria provided, single submitter. Criteria: Invitae Variant Classification Sherloc (09022015). Collection method: clinical testing. Allele origin: germline.
Comment: In summary, the available evidence is currently insufficient to determine the role of this variant in disease. Therefore, it has been classified as a Variant of Uncertain Significance. Algorithms developed to predict the effect of missense changes on protein structure and function are either unavailable or do not agree on the potential impact of this missense change (SIFT: "Deleterious"; PolyPhen-2: "Benign"; Align-GVGD: "Class C0"). This variant has not been reported in the literature in individuals affected with CKAP2L-related conditions. This variant is present in population databases (no rsID available, gnomAD 0.003%). This sequence change replaces serine, which is neutral and polar, with phenylalanine, which is neutral and non-polar, at codon 638 of the CKAP2L protein (p.Ser638Phe).